The following is an entry in ClinVar:

NM_001171.6(ABCC6):c.2095G>C (p.Glu699Gln)

Gene: ABCC6 (ATP binding cassette subfamily C member 6; minus strand). Cytogenetic location: 16p13.11.
Variant type: single nucleotide variant.
Coding change: c.2095G>C on transcript NM_001171.6 (MANE Select); coding-DNA position 2095, G replaced by C.
Protein change: p.Glu699Gln; replaces glutamic acid 699 with glutamine.
Molecular consequence: missense variant. On other transcripts: non-coding transcript variant (1).
Genome position (GRCh38, 1-based): chr16:16,182,564, C>G on the plus strand (G>C on the coding strand, the complement: ABCC6 is on the minus strand). VCF-style: chr16-16182564-C-G. GRCh37 (hg19) VCF-style: chr16-16276421-C-G.
Other names: c.1753G>C, p.Glu585Gln (NM_001351800.1); short protein forms E585Q, E699Q.
Identifiers: ClinVar variation 2750303 (VCV002750303.3), dbSNP rs1445084199, ClinGen allele CA394888544.
Genomic context (GRCh38, chr16:16,182,564, plus strand): 5'-GGTCCAGCTCCTGCCCGAAGCACACATTCTCTACCACAGAGGTGTTCTGCACCCAGGCCT[C>G]CTGGGGCACGTAGGCCACAGCACCCTAAAACACAACTTACTTTGGTCACAGGAGGATGAT-3'
Protein context (NP_001162.5, residues 689-709): IEGAVAYVPQ[Glu699Gln]AWVQNTSVVE

ClinVar aggregate classification (germline): Uncertain significance (1 of 4 stars; one submission).

Submission:

Labcorp Genetics (formerly Invitae), Labcorp
Classification: Uncertain significance. Last evaluated: 2023-11-19. Review status: criteria provided, single submitter. Criteria: Invitae Variant Classification Sherloc (09022015). Collection method: clinical testing. Allele origin: germline.
Comment: This sequence change replaces glutamic acid, which is acidic and polar, with glutamine, which is neutral and polar, at codon 699 of the ABCC6 protein (p.Glu699Gln). This variant is not present in population databases (gnomAD no frequency). This variant has not been reported in the literature in individuals affected with ABCC6-related conditions. Advanced modeling of protein sequence and biophysical properties (such as structural, functional, and spatial information, amino acid conservation, physicochemical variation, residue mobility, and thermodynamic stability) performed at Invitae indicates that this missense variant is not expected to disrupt ABCC6 protein function with a negative predictive value of 95%. In summary, the available evidence is currently insufficient to determine the role of this variant in disease. Therefore, it has been classified as a Variant of Uncertain Significance.